The following is an entry in ClinVar:

NM_004655.4(AXIN2):c.745G>A (p.Gly249Ser)

Gene: AXIN2 (axin 2; minus strand). Cytogenetic location: 17q24.1.
Variant type: single nucleotide variant.
Coding change: c.745G>A on transcript NM_004655.4 (MANE Select); coding-DNA position 745, G replaced by A.
Protein change: p.Gly249Ser; replaces glycine 249 with serine.
Molecular consequence: missense variant.
Genome position (GRCh38, 1-based): chr17:65,557,876, C>T on the plus strand (G>A on the coding strand, the complement: AXIN2 is on the minus strand). VCF-style: chr17-65557876-C-T. GRCh37 (hg19) VCF-style: chr17-63553994-C-T.
Other names: c.745G>A, p.Gly249Ser (NM_001363813.1); short protein forms G249S.
Identifiers: ClinVar variation 1358374 (VCV001358374.8), dbSNP rs2044293609, ClinGen allele CA400680365.

ClinVar aggregate classification (germline): Uncertain significance (1 of 4 stars; one submission).

Conditions:
Oligodontia-cancer predisposition syndrome. Also called: TOOTH AGENESIS-COLORECTAL CANCER SYNDROME. Identifiers: Orphanet 300576, MedGen C1837750, MONDO:0012075, OMIM 608615. Disease mechanism: loss of function.

Submission:

Labcorp Genetics (formerly Invitae), Labcorp
Classification: Uncertain significance for Oligodontia-cancer predisposition syndrome. Last evaluated: 2020-12-21. Review status: criteria provided, single submitter. Criteria: Invitae Variant Classification Sherloc (09022015). Collection method: clinical testing. Allele origin: germline.
Comment: This sequence change replaces glycine with serine at codon 249 of the AXIN2 protein (p.Gly249Ser). The glycine residue is highly conserved and there is a small physicochemical difference between glycine and serine. In summary, the available evidence is currently insufficient to determine the role of this variant in disease. Therefore, it has been classified as a Variant of Uncertain Significance. Algorithms developed to predict the effect of sequence changes on RNA splicing suggest that this variant may create or strengthen a splice site, but this prediction has not been confirmed by published transcriptional studies. Algorithms developed to predict the effect of missense changes on protein structure and function are either unavailable or do not agree on the potential impact of this missense change (SIFT: "Deleterious"; PolyPhen-2: "Benign"; Align-GVGD: "Class C55"). This variant has not been reported in the literature in individuals with AXIN2-related conditions. This variant is not present in population databases (ExAC no frequency).